The following is an entry in ClinVar:

NM_001283009.2(RTEL1):c.3343A>G (p.Arg1115Gly)

Genes: RTEL1 (regulator of telomere elongation helicase 1; plus strand), RTEL1-TNFRSF6B (RTEL1-TNFRSF6B readthrough (NMD candidate); plus strand). Cytogenetic location: 20q13.33.
Variant type: single nucleotide variant.
Coding change: c.3343A>G on transcript NM_001283009.2 (MANE Select); coding-DNA position 3343, A replaced by G.
Protein change: p.Arg1115Gly; replaces arginine 1115 with glycine.
Molecular consequence: missense variant. On other transcripts: non-coding transcript variant (1).
Genome position (GRCh38, 1-based): chr20:63,694,974, A>G. VCF-style: chr20-63694974-A-G. GRCh37 (hg19) VCF-style: chr20-62326327-A-G.
Other names: c.2674A>G, p.Arg892Gly (NM_001283010.1); c.3343A>G, p.Arg1115Gly (NM_016434.4); c.3415A>G, p.Arg1139Gly (NM_032957.5); c.3415A>G (NM_032957.4); short protein forms R1139G, R892G, R1115G.
Identifiers: ClinVar variation 2198636 (VCV002198636.3), dbSNP rs539765986, ClinGen allele CA9965960.

ClinVar aggregate classification (germline): Uncertain significance. Review status: criteria provided, multiple submitters, no conflicts (2 of 4 stars). 2 submissions from 2 submitters: Uncertain significance (2). Last evaluated 2026-01-06.

Conditions:
Inborn genetic diseases. Identifiers: MedGen C0950123, MeSH D030342.
Pulmonary fibrosis and/or bone marrow failure, Telomere-related, 3. Also called: PULMONARY FIBROSIS AND/OR BONE MARROW FAILURE SYNDROME, TELOMERE-RELATED, 3. Identifiers: Orphanet 2032, MedGen C4225346, MONDO:0014613, OMIM 616373.
Dyskeratosis congenita, autosomal recessive 5 (DKCB5). Identifiers: MedGen C3554656, MONDO:0014076, OMIM 615190.

Allele frequency attached by ClinVar (database versions not stated): gnomAD exomes 0.00003; ExAC 0.00006; 1000 Genomes Project 30x 0.00016; gnomAD 0.00001; 1000 Genomes Project 0.00020.
gnomAD v4.1: 39 of 1,612,148 alleles (0.0024%); highest among the groups gnomAD compares: South Asian, 0.043%; no homozygotes.

Submissions (2):

Labcorp Genetics (formerly Invitae), Labcorp
Classification: Uncertain significance for Dyskeratosis congenita, autosomal recessive 5; Pulmonary fibrosis and/or bone marrow failure, Telomere-related, 3. Last evaluated: 2026-01-06. Review status: criteria provided, single submitter. Criteria: Invitae Variant Classification Sherloc (09022015). Collection method: clinical testing. Allele origin: germline.
Comment: This sequence change replaces arginine, which is basic and polar, with glycine, which is neutral and non-polar, at codon 1115 of the RTEL1 protein (p.Arg1115Gly). This variant is present in population databases (rs539765986, gnomAD 0.05%). This variant has not been reported in the literature in individuals affected with RTEL1-related conditions. ClinVar contains an entry for this variant (Variation ID: 2198636). An algorithm developed to predict the effect of missense changes on protein structure and function outputs the following: PolyPhen-2: "Benign". The glycine amino acid residue is found in multiple mammalian species, which suggests that this missense change does not adversely affect protein function. In summary, the available evidence is currently insufficient to determine the role of this variant in disease. Therefore, it has been classified as a Variant of Uncertain Significance.

Ambry Genetics
Classification: Uncertain significance for Inborn genetic diseases. Last evaluated: 2022-02-18. Review status: criteria provided, single submitter. Criteria: Ambry Variant Classification Scheme 2023. Collection method: clinical testing. Allele origin: germline.
Comment: Occurs in the last base pair of the exon Based on insufficient or conflicting evidence, the clinical significance of this alteration remains unclear.